The following is an entry in ClinVar:

ClinVar aggregate classification (germline): Pathogenic. Review status: criteria provided, multiple submitters, no conflicts (2 of 4 stars). 3 submissions from 3 submitters: Pathogenic (2). 1 of the submissions does not count toward it. Last evaluated 2024-12-18.

Conditions:
Intellectual developmental disorder, autosomal recessive 68. Also called: MENTAL RETARDATION, AUTOSOMAL RECESSIVE 68. Identifiers: MedGen C4749033, MONDO:0032665, OMIM 618302.

Submissions (3):

GeneDx
Classification: Pathogenic. Last evaluated: 2024-12-18. Review status: criteria provided, single submitter. Criteria: GeneDx Variant Classification Process June 2021. Collection method: clinical testing. Allele origin: germline. Affected: yes.
Comment: Frameshift variant predicted to result in protein truncation or nonsense mediated decay in a gene for which loss of function is a known mechanism of disease; This variant is associated with the following publications: (PMID: 28784718, 21937992, 28397838, 36344539, 30289604)

Department of Genetics, Sultan Qaboos University Hospital
Classification: Pathogenic for Intellectual developmental disorder, autosomal recessive 68. Last evaluated: 2022-06-30. Review status: criteria provided, single submitter. Criteria: ACMG Guidelines, 2015. Collection method: clinical testing. Allele origin: germline.

OMIM
Classification: Pathogenic for INTELLECTUAL DEVELOPMENTAL DISORDER, AUTOSOMAL RECESSIVE 68. Last evaluated: 2011-09-21. Review status: no assertion criteria provided. Collection method: literature only. Allele origin: germline. Not counted in ClinVar's aggregate classification.

Literature cited by the submitters: PubMed 30289604 (cited by OMIM); PubMed 21937992 (cited by OMIM).

NM_001136035.4(TRMT1):c.657_688del (p.Gln219fs)

Gene: TRMT1 (tRNA methyltransferase 1; minus strand). Cytogenetic location: 19p13.13.
Variant type: Deletion.
Coding change: c.657_688del on transcript NM_001136035.4 (MANE Select); coding-DNA positions 657 to 688, 32 bases deleted.
Protein change: p.Gln219fs; shifts the reading frame from glutamine 219.
Molecular consequence: frameshift variant. On other transcripts: 5 prime UTR variant (1).
Genome position (GRCh38, 1-based): chr19:13,112,965-13,112,996, 32 bases deleted; deleting any 32 consecutive bases within chr19:13,112,965-13,112,998 gives the same sequence; the c. name uses the placement nearest the transcript's 3' end. GRCh37 (hg19): chr19:13,223,781-13,223,812.
Other names: c.657_688del, p.Gln219fs (NM_001142554.3, NM_001351760.2, NM_017722.5); c.549_580del, p.Gln183fs (NM_001351761.2); c.-114_-83del (NM_001351762.2); c.657_688del (NM_001136035.2); short protein forms Q183fs, Q219fs.
Identifiers: ClinVar variation 617602 (VCV000617602.4), dbSNP rs746572548, ClinGen allele CA9237956.